The following is an entry in ClinVar:

ClinVar aggregate classification (germline): Likely benign. Review status: criteria provided, multiple submitters, no conflicts (2 of 4 stars). 3 submissions from 3 submitters: Likely benign (3). Last evaluated 2025-06-10.

Conditions:
MYH6-related disorder. Also called: MYH6-related condition; MYH6-Related Disorders.
Cardiovascular phenotype. Identifiers: MedGen CN230736.
Hypertrophic cardiomyopathy 14. Identifiers: MedGen C2750467, MONDO:0013197, OMIM 613251.

Allele frequency attached by ClinVar (database versions not stated): TOPMed 0.00007.
gnomAD v4.1: 15 of 1,614,058 alleles (0.00093%); highest among the groups gnomAD compares: African/African-American, 0.02%; no homozygotes.

Submissions (3):

PreventionGenetics, part of Exact Sciences
Classification: Likely benign for MYH6-related condition. Last evaluated: 2025-06-10. Review status: criteria provided, single submitter. Criteria: ACMG Guidelines, 2015. Collection method: clinical testing. Allele origin: germline.
Comment: This variant is classified as likely benign based on ACMG/AMP sequence variant interpretation guidelines (Richards et al. 2015 PMID: 25741868, with internal and published modifications).

Labcorp Genetics (formerly Invitae), Labcorp
Classification: Likely benign for Hypertrophic cardiomyopathy 14. Last evaluated: 2025-05-27. Review status: criteria provided, single submitter. Criteria: Invitae Variant Classification Sherloc (09022015). Collection method: clinical testing. Allele origin: germline.

Ambry Genetics
Classification: Likely benign for Cardiovascular phenotype. Last evaluated: 2018-01-04. Review status: criteria provided, single submitter. Criteria: Ambry Variant Classification Scheme 2023. Collection method: clinical testing. Allele origin: germline.

NM_002471.4(MYH6):c.2440C>T (p.Leu814=)

Gene: MYH6 (myosin heavy chain 6; minus strand). Cytogenetic location: 14q11.2.
Variant type: single nucleotide variant.
Coding change: c.2440C>T on transcript NM_002471.4 (MANE Select); coding-DNA position 2440, C replaced by T.
Protein change: p.Leu814=; no amino-acid change (leucine 814 retained).
Molecular consequence: synonymous variant.
Genome position (GRCh38, 1-based): chr14:23,394,313, G>A on the plus strand (C>T on the coding strand, the complement: MYH6 is on the minus strand). VCF-style: chr14-23394313-G-A. GRCh37 (hg19) VCF-style: chr14-23863522-G-A.
Identifiers: ClinVar variation 718099 (VCV000718099.12), dbSNP rs150675144, ClinGen allele CA7115451.
Genomic context (GRCh38, chr14:23,394,313, plus strand): 5'-GCTTCATCCAGGGCCAATTCTTGACCCCCATGAAGGCCCGAATGTTCCACTGGATTACCA[G>A]CAGGGCATCCCTGGCAAGGAAACGTGGAGGCAGGGTGGGGCACTATAAAAGAGAGCTTCC-3'
Protein context (NP_002462.2, residues 804-824): KKIVERRDAL[Leu814=]VIQWNIRAFM